The following is an entry in ClinVar:

ClinVar aggregate classification (germline): Conflicting classifications of pathogenicity. Review status: criteria provided, conflicting classifications (1 of 4 stars). 4 submissions from 4 submitters: Likely pathogenic (1); Uncertain significance (3). Last evaluated 2025-10-03.

Allele frequency attached by ClinVar (database versions not stated): TOPMed 0.00005; gnomAD 0.00007 and 0.00008; gnomAD exomes 0.00012; ExAC 0.00016.
gnomAD v4.1: 117 of 1,614,076 alleles (0.0072%); highest among the groups gnomAD compares: Non-Finnish European, 0.0068%; no homozygotes.

Submissions (4):

Women's Health and Genetics/Laboratory Corporation of America, LabCorp
Classification: Uncertain significance. Last evaluated: 2025-10-03. Review status: criteria provided, single submitter. Criteria: LabCorp Variant Classification Summary - May 2015. Collection method: clinical testing. Allele origin: germline.
Comment: Variant summary: FAM175A c.1082G>A (p.Arg361Gln) results in a conservative amino acid change in the encoded protein sequence. Algorithms developed to predict the effect of missense changes on protein structure and function all suggest that this variant is likely to be tolerated. The variant allele was found at a frequency of 0.00012 in 253092 control chromosomes (gnomAD). The observed variant frequency exceeds the estimated maximal expected allele frequency for disease-causing variants in FAM175A. c.1082G>A has been observed in individuals affected with breast cancer as well as unaffected controls (e.g., Solyom_2012, Dorling_2021). These reports do not provide unequivocal conclusions about association of the variant with Hereditary Breast And Ovarian Cancer Syndrome. Publications report experimental evidence evaluating an impact on protein function, finding that the variant reduces nuclear localization of FAM175A and BRCA1 and disrupts DNA damage response (Solyom_2012, Bose_2019). The following publications have been ascertained in the context of this evaluation (PMID: 22357538, 31630195, 33471991). ClinVar contains an entry for this variant (Variation ID: 646136). Based on the evidence outlined above, the variant was classified as uncertain significance.

Labcorp Genetics (formerly Invitae), Labcorp
Classification: Uncertain significance. Last evaluated: 2024-09-03. Review status: criteria provided, single submitter. Criteria: Invitae Variant Classification Sherloc (09022015). Collection method: clinical testing. Allele origin: germline.
Comment: This sequence change replaces arginine, which is basic and polar, with glutamine, which is neutral and polar, at codon 361 of the ABRAXAS1 protein (p.Arg361Gln). This variant is present in population databases (rs201627097, gnomAD 0.05%), and has an allele count higher than expected for a pathogenic variant. This missense change has been observed in individual(s) with breast, fibrosarcoma, lip, prostate, colon, and endometrial cancer (PMID: 22357538, 31630195). ClinVar contains an entry for this variant (Variation ID: 646136). An algorithm developed to predict the effect of missense changes on protein structure and function (PolyPhen-2) suggests that this variant is likely to be disruptive. Experimental studies have shown that this missense change affects ABRAXAS1 function (PMID: 22357538, 31630195). In summary, the available evidence is currently insufficient to determine the role of this variant in disease. Therefore, it has been classified as a Variant of Uncertain Significance.

Ambry Genetics
Classification: Uncertain significance. Last evaluated: 2024-04-29. Review status: criteria provided, single submitter. Criteria: Ambry Variant Classification Scheme 2023. Collection method: clinical testing. Allele origin: germline.
Comment: The p.R361Q variant (also known as c.1082G>A), located in coding exon 9 of the FAM175A gene, results from a G to A substitution at nucleotide position 1082. The arginine at codon 361 is replaced by glutamine, an amino acid with highly similar properties. This alteration was identified in 3 out of 125 breast cancer families and absent from 868 healthy female controls (Solyom S et al. Sci Transl Med, 2012 Feb;4:122ra23). Functional studies have shown that this alteration impairs the nuclear localization of FAM175A protein and partially disrupts the DNA damage response and repair pathways (Solyom S et al. Sci Transl Med, 2012 Feb;4:122ra23; Bose M et al. Hum. Mol. Genet., 2019 Oct). This amino acid position is highly conserved in available vertebrate species. In addition, the in silico prediction for this alteration is inconclusive. The evidence for this gene-disease relationship is limited; therefore, the clinical significance of this alteration is unclear.

CeGaT Center for Human Genetics Tuebingen
Classification: Likely pathogenic. Last evaluated: 2024-04-01. Review status: criteria provided, single submitter. Criteria: CeGaT Center For Human Genetics Tuebingen Variant Classification Criteria Version 2. Collection method: clinical testing. Allele origin: germline. Affected: yes. Observed: 3 variant alleles.
Comment: ABRAXAS1: PP1:Strong, PM2:Supporting, PS3:Supporting, PS4:Supporting, BP4

Literature cited by the submitters: PubMed 22357538 (cited by 3 submitters); PubMed 33471991 (cited by Women's Health and Genetics/Laboratory Corporation of America, LabCorp); PubMed 31630195 (cited by 3 submitters).

NM_139076.3(ABRAXAS1):c.1082G>A (p.Arg361Gln)

Gene: ABRAXAS1 (abraxas 1, BRCA1 A complex subunit; minus strand). Cytogenetic location: 4q21.23.
Variant type: single nucleotide variant.
Coding change: c.1082G>A on transcript NM_139076.3 (MANE Select); coding-DNA position 1082, G replaced by A.
Protein change: p.Arg361Gln; replaces arginine 361 with glutamine.
Molecular consequence: missense variant.
Genome position (GRCh38, 1-based): chr4:83,462,617, C>T on the plus strand (G>A on the coding strand, the complement: ABRAXAS1 is on the minus strand). VCF-style: chr4-83462617-C-T. GRCh37 (hg19) VCF-style: chr4-84383770-C-T.
Other names: c.755G>A, p.Arg252Gln (NM_001345962.2); short protein forms R361Q, R252Q.
Identifiers: ClinVar variation 646136 (VCV000646136.48), dbSNP rs201627097, ClinGen allele CA2990382.